The following is an entry in ClinVar:

ClinVar aggregate classification (germline): Uncertain significance (1 of 4 stars; one submission).

Conditions:
PRPH2-related disorder. Also called: PRPH2-related disorders; PRPH2-related condition. Identifiers: MedGen CN239395.

Submission:

Labcorp Genetics (formerly Invitae), Labcorp
Classification: Uncertain significance for PRPH2-related disorder. Last evaluated: 2025-08-18. Review status: criteria provided, single submitter. Criteria: Invitae Variant Classification Sherloc (09022015). Collection method: clinical testing. Allele origin: germline.
Comment: This sequence change replaces tyrosine, which is neutral and polar, with cysteine, which is neutral and slightly polar, at codon 184 of the PRPH2 protein (p.Tyr184Cys). This variant is not present in population databases (gnomAD no frequency). This variant has not been reported in the literature in individuals affected with PRPH2-related conditions. Invitae Evidence Modeling of protein sequence and biophysical properties (such as structural, functional, and spatial information, amino acid conservation, physicochemical variation, residue mobility, and thermodynamic stability) indicates that this missense variant is expected to disrupt PRPH2 protein function with a positive predictive value of 95%. In summary, the available evidence is currently insufficient to determine the role of this variant in disease. Therefore, it has been classified as a Variant of Uncertain Significance.

NM_000322.5(PRPH2):c.551A>G (p.Tyr184Cys)

Gene: PRPH2 (peripherin 2; minus strand). Cytogenetic location: 6p21.1.
Variant type: single nucleotide variant.
Coding change: c.551A>G on transcript NM_000322.5 (MANE Select); coding-DNA position 551, A replaced by G.
Protein change: p.Tyr184Cys; replaces tyrosine 184 with cysteine.
Molecular consequence: missense variant.
Genome position (GRCh38, 1-based): chr6:42,721,784, T>C on the plus strand (A>G on the coding strand, the complement: PRPH2 is on the minus strand). VCF-style: chr6-42721784-T-C. GRCh37 (hg19) VCF-style: chr6-42689522-T-C.
Other names: short protein forms Y184C.
Identifiers: ClinVar variation 4764509 (VCV004764509.1).
Genomic context (GRCh38, chr6:42,721,784, plus strand): 5'-GCTCTGACCCCAGGACTGGAAGCCACTCACTCTTTGACTTCTTTGGAGGAAAAGTCCAGG[T>C]AGCGATTGCTGATCCACTGAATCTCAAACCAGTCCCGAAAACCGTTGTTGCCGCAGCATT-3'
Protein context (NP_000313.2, residues 174-194): WFEIQWISNR[Tyr184Cys]LDFSSKEVKD